The following is an entry in ClinVar:

NM_001943.5(DSG2):c.43C>G (p.Leu15Val)

Genes: DSG2 (desmoglein 2; plus strand), LOC130062340 (ATAC-STARR-seq lymphoblastoid silent region 9384; plus strand). Cytogenetic location: 18q12.1.
Variant type: single nucleotide variant.
Coding change: c.43C>G on transcript NM_001943.5 (MANE Select); coding-DNA position 43, C replaced by G.
Protein change: p.Leu15Val; replaces leucine 15 with valine.
Molecular consequence: missense variant.
Genome position (GRCh38, 1-based): chr18:31,498,294, C>G. VCF-style: chr18-31498294-C-G. GRCh37 (hg19) VCF-style: chr18-29078257-C-G.
Other names: short protein forms L15V.
Identifiers: ClinVar variation 4709663 (VCV004709663.1).

ClinVar aggregate classification (germline): Uncertain significance (1 of 4 stars; one submission).

Conditions:
Arrhythmogenic right ventricular dysplasia 10. Also called: Arrhythmogenic Right Ventricular Dysplasia/Cardiomyopathy10; ARRHYTHMOGENIC RIGHT VENTRICULAR DYSPLASIA, FAMILIAL, 10; Arrhythmogenic right ventricular dysplasia/cardiomyopathy, type 10. Identifiers: MedGen C1857777, MONDO:0012434, OMIM 610193.

Submission:

Labcorp Genetics (formerly Invitae), Labcorp
Classification: Uncertain significance for Arrhythmogenic right ventricular dysplasia 10. Last evaluated: 2025-06-18. Review status: criteria provided, single submitter. Criteria: Invitae Variant Classification Sherloc (09022015). Collection method: clinical testing. Allele origin: germline.
Comment: This sequence change replaces leucine, which is neutral and non-polar, with valine, which is neutral and non-polar, at codon 15 of the DSG2 protein (p.Leu15Val). This variant is not present in population databases (gnomAD no frequency). This variant has not been reported in the literature in individuals affected with DSG2-related conditions. Invitae Evidence Modeling of protein sequence and biophysical properties (such as structural, functional, and spatial information, amino acid conservation, physicochemical variation, residue mobility, and thermodynamic stability) indicates that this missense variant is not expected to disrupt DSG2 protein function with a negative predictive value of 95%. In summary, the available evidence is currently insufficient to determine the role of this variant in disease. Therefore, it has been classified as a Variant of Uncertain Significance.